The following is an entry in ClinVar:

NM_013450.4(BAZ2B):c.3769A>G (p.Ile1257Val)

Gene: BAZ2B (bromodomain adjacent to zinc finger domain 2B; minus strand). Cytogenetic location: 2q24.2.
Variant type: single nucleotide variant.
Coding change: c.3769A>G on transcript NM_013450.4 (MANE Select); coding-DNA position 3769, A replaced by G.
Protein change: p.Ile1257Val; replaces isoleucine 1257 with valine.
Molecular consequence: missense variant.
Genome position (GRCh38, 1-based): chr2:159,382,795, T>C on the plus strand (A>G on the coding strand, the complement: BAZ2B is on the minus strand). VCF-style: chr2-159382795-T-C. GRCh37 (hg19) VCF-style: chr2-160239306-T-C.
Other names: c.3661A>G, p.Ile1221Val (NM_001289975.1); c.3607A>G, p.Ile1203Val (NM_001329857.2); c.3694A>G, p.Ile1232Val (NM_001329858.2); short protein forms I1203V, I1221V, I1232V, I1257V.
Identifiers: ClinVar variation 3365280 (VCV003365280.1).

ClinVar aggregate classification (germline): Uncertain significance (1 of 4 stars; one submission).

gnomAD v4.1: 1 of 1,612,238 alleles (0.000062%); highest among the groups gnomAD compares: Admixed American, 0.0017%; no homozygotes.

Submission:

GeneDx
Classification: Uncertain significance. Last evaluated: 2023-12-05. Review status: criteria provided, single submitter. Criteria: GeneDx Variant Classification Process June 2021. Collection method: clinical testing. Allele origin: germline. Affected: yes.
Comment: In silico analysis supports that this missense variant does not alter protein structure/function; Has not been previously published as pathogenic or benign to our knowledge